The following is an entry in ClinVar:

ClinVar aggregate classification (germline): Uncertain significance. Review status: criteria provided, single submitter (1 of 4 stars). 2 submissions from 2 submitters: Uncertain significance (1). 1 of the submissions does not count toward it. Last evaluated 2019-08-17.

Conditions:
Autosomal recessive congenital ichthyosis 2 (ARCI2). Identifiers: Orphanet 281122, Orphanet 79394, MedGen C3888093, MONDO:0009439, OMIM 242100.

Submissions (2):

Baylor Genetics
Classification: Uncertain significance for Autosomal recessive congenital ichthyosis 2. Last evaluated: 2019-08-17. Review status: criteria provided, single submitter. Criteria: ACMG Guidelines, 2015. Collection method: clinical testing. Allele origin: unknown. Affected: yes.
Comment: This variant was determined to be of uncertain significance according to ACMG Guidelines, 2015 [PMID:25741868].

Biochemical Molecular Genetic Laboratory, King Abdulaziz Medical City
Classification: Likely pathogenic for Autosomal recessive congenital ichthyosis 2. Last evaluated: 2020-11-12. Review status: no assertion criteria provided. Collection method: clinical testing. Allele origin: germline. Affected: yes. Not counted in ClinVar's aggregate classification.

NM_001139.3(ALOX12B):c.830T>A (p.Ile277Asn)

Genes: ALOX12B (arachidonate 12-lipoxygenase, 12R type; minus strand), LOC130060196 (ATAC-STARR-seq lymphoblastoid active region 11660; plus strand). Cytogenetic location: 17p13.1.
Variant type: single nucleotide variant.
Coding change: c.830T>A on transcript NM_001139.3 (MANE Select); coding-DNA position 830, T replaced by A.
Protein change: p.Ile277Asn; replaces isoleucine 277 with asparagine.
Molecular consequence: missense variant.
Genome position (GRCh38, 1-based): chr17:8,079,866, A>T on the plus strand (T>A on the coding strand, the complement: ALOX12B is on the minus strand). VCF-style: chr17-8079866-A-T. GRCh37 (hg19) VCF-style: chr17-7983184-A-T.
Other names: short protein forms I277N.
Identifiers: ClinVar variation 992981 (VCV000992981.2), dbSNP rs1977170764, ClinGen allele CA397994399.